The following is an entry in ClinVar:

NM_003000.3(SDHB):c.751A>T (p.Arg251Trp)

Gene: SDHB (succinate dehydrogenase complex iron sulfur subunit B; minus strand). Cytogenetic location: 1p36.13.
Variant type: single nucleotide variant.
Coding change: c.751A>T on transcript NM_003000.3 (MANE Select); coding-DNA position 751, A replaced by T.
Protein change: p.Arg251Trp; replaces arginine 251 with tryptophan.
Molecular consequence: missense variant.
Genome position (GRCh38, 1-based): chr1:17,022,622, T>A on the plus strand (A>T on the coding strand, the complement: SDHB is on the minus strand). VCF-style: chr1-17022622-T-A. GRCh37 (hg19) VCF-style: chr1-17349117-T-A.
Other names: c.697A>T, p.Arg233Trp (NM_001407361.1); short protein forms R233W, R251W.
Identifiers: ClinVar variation 3951398 (VCV003951398.1).

ClinVar aggregate classification (germline): Uncertain significance (1 of 4 stars; one submission).

Conditions:
Hereditary cancer-predisposing syndrome. Also called: Tumor predisposition; Hereditary neoplastic syndrome; Hereditary Cancer Syndrome; Neoplastic Syndromes, Hereditary. Identifiers: Orphanet 140162, MedGen C0027672, MeSH D009386, MONDO:0015356.

Submission:

Ambry Genetics
Classification: Uncertain significance for Hereditary cancer-predisposing syndrome. Last evaluated: 2025-05-21. Review status: criteria provided, single submitter. Criteria: Ambry Variant Classification Scheme 2023. Collection method: clinical testing. Allele origin: germline.
Comment: The p.R251W variant (also known as c.751A>T), located in coding exon 7 of the SDHB gene, results from an A to T substitution at nucleotide position 751. The arginine at codon 251 is replaced by tryptophan, an amino acid with dissimilar properties. This amino acid position is conserved. In addition, the in silico prediction for this alteration is inconclusive. Based on the available evidence, the clinical significance of this variant remains unclear.